The following is an entry in ClinVar:

ClinVar aggregate classification (germline): Benign. Review status: criteria provided, multiple submitters, no conflicts (2 of 4 stars). 2 submissions from 2 submitters: Benign (2). Last evaluated 2019-11-13.

Conditions:
Osteogenesis imperfecta (OI). Identifiers: Orphanet 666, MedGen C0029434, MeSH D010013, MONDO:0019019.

Submissions (2):

GeneDx
Classification: Benign. Last evaluated: 2019-11-13. Review status: criteria provided, single submitter. Criteria: GeneDx Variant Classification Process June 2021. Collection method: clinical testing. Allele origin: germline. Affected: yes.

Women's Health and Genetics/Laboratory Corporation of America, LabCorp
Classification: Benign for Osteogenesis Imperfecta. Last evaluated: 2011-08-18. Review status: criteria provided, single submitter. Criteria: LabCorp Variant Classification Summary - May 2015. Collection method: curation, clinical testing. Allele origin: germline. Inheritance: autosomal unknown. Affected: yes.
ClinVar note: Converted during submission from benign to Benign.

NM_000089.4(COL1A2):c.594+118del

Gene: COL1A2 (collagen type I alpha 2 chain; plus strand). Cytogenetic location: 7q21.3.
Variant type: Deletion.
Coding change: c.594+118del on transcript NM_000089.4 (MANE Select); 118 bases into the intron after coding-DNA position 594, one base deleted (T; older notation c.594+118delT).
Molecular consequence: intron variant.
Genome position (GRCh38, 1-based): chr7:94,406,421, T deleted; the last of 8 consecutive T bases (chr7:94,406,414-94,406,421); deleting any one gives the same sequence. VCF-style (leftmost placement, unchanged base first): chr7-94406413-AT-A. GRCh37 (hg19) VCF-style: chr7-94035725-AT-A.
Other names: c.594+118delT (NM_000089.3).
Identifiers: ClinVar variation 35953 (VCV000035953.6), dbSNP rs193922172, ClinGen allele CA260380.